The following is an entry in ClinVar:

ClinVar aggregate classification (germline): Uncertain significance. Review status: criteria provided, multiple submitters, no conflicts (2 of 4 stars). 3 submissions from 3 submitters: Uncertain significance (3). Last evaluated 2025-06-13.

Conditions:
Spastic paraplegia. Identifiers: MedGen C0037772, HP:0001258.
Hereditary spastic paraplegia 56. Also called: Spastic paraplegia 56, autosomal recessive; SPASTIC PARAPLEGIA 56, AUTOSOMAL RECESSIVE, WITH OR WITHOUT PSEUDOXANTHOMA ELASTICUM; Spastic Paraplegia 56. Identifiers: Orphanet 320411, MedGen C3539507, MONDO:0014015, OMIM 615030.

Allele frequency attached by ClinVar (database versions not stated): ExAC 0.00001; gnomAD exomes 0.00001 and 0.00002.

Submissions (3):

GeneDx
Classification: Uncertain significance. Last evaluated: 2025-06-13. Review status: criteria provided, single submitter. Criteria: GeneDx Variant Classification Process June 2021. Collection method: clinical testing. Allele origin: germline. Affected: yes.
Comment: Not observed at significant frequency in large population cohorts (gnomAD); In silico analysis supports that this missense variant has a deleterious effect on protein structure/function; Has not been previously published as pathogenic or benign to our knowledge

Labcorp Genetics (formerly Invitae), Labcorp
Classification: Uncertain significance for Spastic paraplegia. Last evaluated: 2022-10-19. Review status: criteria provided, single submitter. Criteria: Invitae Variant Classification Sherloc (09022015). Collection method: clinical testing. Allele origin: germline.
Comment: This sequence change replaces proline, which is neutral and non-polar, with leucine, which is neutral and non-polar, at codon 418 of the CYP2U1 protein (p.Pro418Leu). This variant is present in population databases (rs201629689, gnomAD 0.006%). This missense change has been observed in individual(s) with CYP2U1-related conditions (Invitae). It has also been observed to segregate with disease in related individuals. ClinVar contains an entry for this variant (Variation ID: 864580). Algorithms developed to predict the effect of missense changes on protein structure and function (SIFT, PolyPhen-2, Align-GVGD) all suggest that this variant is likely to be disruptive. In summary, the available evidence is currently insufficient to determine the role of this variant in disease. Therefore, it has been classified as a Variant of Uncertain Significance.

MGZ Medical Genetics Center
Classification: Uncertain significance for Hereditary spastic paraplegia 56. Last evaluated: 2021-08-10. Review status: criteria provided, single submitter. Criteria: ACMG Guidelines, 2015. Collection method: clinical testing. Allele origin: germline. Affected: yes. Observed: 1 variant allele.
Comment: ACMG criteria applied: PM2_SUP, PP3

NM_183075.3(CYP2U1):c.1253C>T (p.Pro418Leu)

Gene: CYP2U1 (cytochrome P450 family 2 subfamily U member 1; plus strand). Cytogenetic location: 4q25.
Variant type: single nucleotide variant.
Coding change: c.1253C>T on transcript NM_183075.3 (MANE Select); coding-DNA position 1253, C replaced by T.
Protein change: p.Pro418Leu; replaces proline 418 with leucine.
Molecular consequence: missense variant.
Genome position (GRCh38, 1-based): chr4:107,947,502, C>T. VCF-style: chr4-107947502-C-T. GRCh37 (hg19) VCF-style: chr4-108868658-C-T.
Other names: short protein forms P418L.
Identifiers: ClinVar variation 864580 (VCV000864580.10), dbSNP rs201629689, ClinGen allele CA3037153.